The following is an entry in ClinVar:

NM_001510.4(GRID2):c.1482C>T (p.His494=)

Gene: GRID2 (glutamate ionotropic receptor delta type subunit 2; plus strand). Cytogenetic location: 4q22.2.
Variant type: single nucleotide variant.
Coding change: c.1482C>T on transcript NM_001510.4 (MANE Select); coding-DNA position 1482, C replaced by T.
Protein change: p.His494=; no amino-acid change (histidine 494 retained).
Molecular consequence: synonymous variant.
Genome position (GRCh38, 1-based): chr4:93,422,905, C>T. VCF-style: chr4-93422905-C-T. GRCh37 (hg19) VCF-style: chr4-94344056-C-T.
Other names: c.1197C>T, p.His399= (NM_001286838.1).
Identifiers: ClinVar variation 756926 (VCV000756926.12), dbSNP rs78407646, ClinGen allele CA3012300.
Genomic context (GRCh38, chr4:93,422,905, plus strand): 5'-TTTGGATGCCTTATCTAACTACCTGGGTTTTAACTACGAAATTTACGTAGCACCGGATCA[C>T]AAATACGGAAGCCCACAAGAAGATGGGACATGGAATGGCTTGGTAGGAGAACTTGTCTTT-3'
Protein context (NP_001501.2, residues 484-504): FNYEIYVAPD[His494=]KYGSPQEDGT

ClinVar aggregate classification (germline): Benign/Likely benign. Review status: criteria provided, multiple submitters, no conflicts (2 of 4 stars). 4 submissions from 4 submitters: Benign (2); Likely benign (2). Last evaluated 2026-06-01.

Allele frequency attached by ClinVar (database versions not stated): gnomAD exomes 0.00059 and 0.00117; ESP Exome Variant Server 0.00062; gnomAD 0.00072 and 0.00077; TOPMed 0.00072; ExAC 0.00094.
gnomAD v4.1: 1,022 of 1,613,626 alleles (0.063%); highest among the groups gnomAD compares: Admixed American, 0.05%; 4 homozygotes.

Submissions (4):

CeGaT Center for Human Genetics Tuebingen
Classification: Likely benign. Last evaluated: 2026-06-01. Review status: criteria provided, single submitter. Criteria: CeGaT Center For Human Genetics Tuebingen Variant Classification Criteria Version 2. Collection method: clinical testing. Allele origin: germline. Affected: yes. Observed: 1 variant allele.
Comment: GRID2: BP4, BS2

Labcorp Genetics (formerly Invitae), Labcorp
Classification: Benign. Last evaluated: 2026-01-12. Review status: criteria provided, single submitter. Criteria: Invitae Variant Classification Sherloc (09022015). Collection method: clinical testing. Allele origin: germline.

Blueprint Genetics
Classification: Likely benign. Last evaluated: 2024-11-26. Review status: criteria provided, single submitter. Criteria: ACMG Guidelines, 2015. Collection method: clinical testing. Allele origin: germline.

Breakthrough Genomics
Classification: Benign. Review status: criteria provided, single submitter. Criteria: ACMG Guidelines, 2015. Collection method: not provided. Allele origin: germline. Inheritance: Autosomal recessive inheritance. Affected: yes.